The following is an entry in ClinVar:

ClinVar aggregate classification (germline): Pathogenic (1 of 4 stars; one submission).

Conditions:
Duchenne muscular dystrophy (DMD). Also called: Duchenne Muscular Dystrophy (DMD); MUSCULAR DYSTROPHY, PSEUDOHYPERTROPHIC PROGRESSIVE, DUCHENNE TYPE. Identifiers: Orphanet 98896, MedGen C0013264, MONDO:0010679, OMIM 310200.

Submission:

Labcorp Genetics (formerly Invitae), Labcorp
Classification: Pathogenic for Duchenne muscular dystrophy. Last evaluated: 2022-03-20. Review status: criteria provided, single submitter. Criteria: Invitae Variant Classification Sherloc (09022015). Collection method: clinical testing. Allele origin: germline.
Comment: This variant results in a copy number gain of the genomic region encompassing exon(s) 8-29 of the DMD gene. While the exact position of this variant cannot be determined from the data, sub-genic copy number gains are generally in tandem (PMID: 25640679). This variant is predicted to be out-of-frame, and may result in an absent or disrupted protein product. Loss-of-function variants in DMD are known to be pathogenic (PMID: 16770791, 25007885). A similar copy number variant has been observed in individuals with DMD-related muscular dystrophy (PMID: 10612827, 16917894, 26911353). For these reasons, this variant has been classified as Pathogenic.

Literature cited by the submitters: PubMed 25640679; PubMed 16770791; PubMed 25007885; PubMed 10612827; PubMed 16917894; PubMed 26911353.

NC_000023.10:g.(?_32456338)_(32756908_?)dup

Gene: DMD (dystrophin; minus strand). Cytogenetic location: Xp21.1.
Variant type: Duplication.
Identifiers: ClinVar variation 2424995 (VCV002424995.4).